The following is an entry in ClinVar:

NM_032806.6(POMGNT2):c.1068C>T (p.Pro356=)

Gene: POMGNT2 (protein O-linked mannose N-acetylglucosaminyltransferase 2 (beta 1,4-); minus strand). Cytogenetic location: 3p22.1.
Variant type: single nucleotide variant.
Coding change: c.1068C>T on transcript NM_032806.6 (MANE Select); coding-DNA position 1068, C replaced by T.
Protein change: p.Pro356=; no amino-acid change (proline 356 retained).
Molecular consequence: synonymous variant.
Genome position (GRCh38, 1-based): chr3:43,080,364, G>A on the plus strand (C>T on the coding strand, the complement: POMGNT2 is on the minus strand). VCF-style: chr3-43080364-G-A. GRCh37 (hg19) VCF-style: chr3-43121856-G-A.
Other names: c.1068C>T, p.Pro356= (NM_001437285.1).
Identifiers: ClinVar variation 4690701 (VCV004690701.4).
Genomic context (GRCh38, chr3:43,080,364, plus strand): 5'-GGGAGTGTAGTGGTCGGGATTGACAGCATATGGGAAGAGCTCTACCACAGTTGCCCCACG[G>A]GGCAGGAAGAGGGTGGTGACCAGCTGGGCCCCATGCATGCTGACCAGCATGGAGGCATTG-3'
Protein context (NP_116195.2, residues 346-366): GAQLVTTLFL[Pro356=]RGATVVELFP

ClinVar aggregate classification (germline): Likely benign. Review status: criteria provided, multiple submitters, no conflicts (2 of 4 stars). 3 submissions from 3 submitters: Likely benign (3). Last evaluated 2026-04-01.

Conditions:
Muscular dystrophy-dystroglycanopathy (congenital with brain and eye anomalies), type a, 8 (MDDGA8). Also called: WALKER-WARBURG SYNDROME OR MUSCLE-EYE-BRAIN DISEASE, GTDC2-RELATED. Identifiers: Orphanet 899, MedGen C3553813, MONDO:0013904, OMIM 614830.

gnomAD v4.1: 14 of 1,614,170 alleles (0.00087%); highest among the groups gnomAD compares: Middle Eastern, 0.18%; no homozygotes.

Submissions (3):

CeGaT Center for Human Genetics Tuebingen
Classification: Likely benign. Last evaluated: 2026-04-01. Review status: criteria provided, single submitter. Criteria: CeGaT Center For Human Genetics Tuebingen Variant Classification Criteria Version 2. Collection method: clinical testing. Allele origin: germline. Affected: yes. Observed: 1 variant allele.
Comment: POMGNT2: BP4, BP7

Labcorp Genetics (formerly Invitae), Labcorp
Classification: Likely benign for Muscular dystrophy-dystroglycanopathy (congenital with brain and eye anomalies), type a, 8. Last evaluated: 2025-02-17. Review status: criteria provided, single submitter. Criteria: Invitae Variant Classification Sherloc (09022015). Collection method: clinical testing. Allele origin: germline.

Blueprint Genetics
Classification: Likely benign. Last evaluated: 2024-02-09. Review status: criteria provided, single submitter. Criteria: ACMG Guidelines, 2015. Collection method: clinical testing. Allele origin: germline.